The following is an entry in ClinVar:

ClinVar aggregate classification (germline): Uncertain significance (1 of 4 stars; one submission).

Conditions:
Cardiomyopathy (CMYO). Also called: Cardiomyopathies. Identifiers: Orphanet 167848, MedGen C0878544, MONDO:0004994, HP:0001638. Inheritance: Various modes of inheritance.

gnomAD v4.1: 2 of 1,613,890 alleles (0.00012%); highest among the groups gnomAD compares: Non-Finnish European, 0.00017%; no homozygotes.

Submission:

Color Diagnostics, LLC DBA Color Health
Classification: Uncertain significance for Cardiomyopathy. Last evaluated: 2025-06-23. Review status: criteria provided, single submitter. Criteria: ACMG Guidelines, 2015. Collection method: clinical testing. Allele origin: germline.
Comment: This missense variant replaces serine with proline at codon 1155 of the RYR2 protein. Computational prediction suggests that this variant may not impact protein structure and function. To our knowledge, functional studies have not been reported for this variant. This variant has not been reported in individuals affected with RYR2-related disorders in the literature. This variant has not been identified in the general population by the Genome Aggregation Database (gnomAD). The available evidence is insufficient to determine the role of this variant in disease conclusively. Therefore, this variant is classified as a Variant of Uncertain Significance.

NM_001035.3(RYR2):c.3463T>C (p.Ser1155Pro)

Gene: RYR2 (ryanodine receptor 2; plus strand). Cytogenetic location: 1q43.
Variant type: single nucleotide variant.
Coding change: c.3463T>C on transcript NM_001035.3 (MANE Select); coding-DNA position 3463, T replaced by C.
Protein change: p.Ser1155Pro; replaces serine 1155 with proline.
Molecular consequence: missense variant.
Genome position (GRCh38, 1-based): chr1:237,569,184, T>C. VCF-style: chr1-237569184-T-C. GRCh37 (hg19) VCF-style: chr1-237732484-T-C.
Other names: short protein forms S1155P.
Identifiers: ClinVar variation 4757189 (VCV004757189.1).
Genomic context (GRCh38, chr1:237,569,184, plus strand): 5'-ACTTTTCTGTCCTCTGTATAGGCCCAGCGGTGGCATCAGGGCAATGAACACTATGGGCGC[T>C]CTTGGCAAGCAGGCGATGTCGTGGGGTGTATGGTTGACATGAACGAACACACCATGATGT-3'
Protein context (NP_001026.2, residues 1145-1165): WHQGNEHYGR[Ser1155Pro]WQAGDVVGCM